The following is an entry in ClinVar:

ClinVar aggregate classification (germline): Uncertain significance (1 of 4 stars; one submission).

Conditions:
MHC class II deficiency. Also called: BLS, TYPE II; Bare lymphocyte syndrome 2. Identifiers: Orphanet 572, MedGen C5447452, MONDO:0008855.

Submission:

Labcorp Genetics (formerly Invitae), Labcorp
Classification: Uncertain significance for SCID due to absent class II HLA antigens. Last evaluated: 2019-02-01. Review status: criteria provided, single submitter. Criteria: Invitae Variant Classification Sherloc (09022015). Collection method: clinical testing. Allele origin: germline.
Comment: This sequence change replaces alanine with serine at codon 324 of the CIITA protein (p.Ala324Ser). The alanine residue is weakly conserved and there is a moderate physicochemical difference between alanine and serine. This variant is not present in population databases (ExAC no frequency). This variant has not been reported in the literature in individuals with CIITA-related conditions. Algorithms developed to predict the effect of missense changes on protein structure and function (SIFT, PolyPhen-2, Align-GVGD) all suggest that this variant is likely to be tolerated, but these predictions have not been confirmed by published functional studies and their clinical significance is uncertain. In summary, the available evidence is currently insufficient to determine the role of this variant in disease. Therefore, it has been classified as a Variant of Uncertain Significance.

NM_000246.4(CIITA):c.970G>T (p.Ala324Ser)

Gene: CIITA (class II major histocompatibility complex transactivator; plus strand). Cytogenetic location: 16p13.13.
Variant type: single nucleotide variant.
Coding change: c.970G>T on transcript NM_000246.4 (MANE Select); coding-DNA position 970, G replaced by T.
Protein change: p.Ala324Ser; replaces alanine 324 with serine.
Molecular consequence: missense variant. On other transcripts: non-coding transcript variant (1).
Genome position (GRCh38, 1-based): chr16:10,904,776, G>T. VCF-style: chr16-10904776-G-T. GRCh37 (hg19) VCF-style: chr16-10998633-G-T.
Other names: c.973G>T, p.Ala325Ser (NM_001286402.1, NM_001379332.1); c.823G>T, p.Ala275Ser (NM_001286403.2, NM_001379331.1); c.826G>T, p.Ala276Ser (NM_001379330.1); c.970G>T, p.Ala324Ser (NM_001379333.1); c.901G>T, p.Ala301Ser (NM_001379334.1); short protein forms A275S, A325S, A324S, A276S, A301S.
Identifiers: ClinVar variation 839556 (VCV000839556.1), dbSNP rs774352830, ClinGen allele CA394729497.
Genomic context (GRCh38, chr16:10,904,776, plus strand): 5'-AATCTGGCACCTGCTTCTCCATCTCCAGAGCACAAGACGTCCCCCACCCAATGCCCGGCA[G>T]CTGGAGAGGTCTCCAACAAGCTTCCAAAATGGCCTGGTGAGTGATGCGGGATCTCTCTGC-3'
Protein context (NP_000237.2, residues 314-334): HKTSPTQCPA[Ala324Ser]GEVSNKLPKW